The following is an entry in ClinVar:

NM_024675.4(PALB2):c.1021G>T (p.Glu341Ter)

Gene: PALB2 (partner and localizer of BRCA2; minus strand). Cytogenetic location: 16p12.2.
Variant type: single nucleotide variant.
Coding change: c.1021G>T on transcript NM_024675.4 (MANE Select); coding-DNA position 1021, G replaced by T.
Protein change: p.Glu341Ter; replaces glutamic acid 341 with a stop codon.
Molecular consequence: nonsense.
Genome position (GRCh38, 1-based): chr16:23,635,525, C>A on the plus strand (G>T on the coding strand, the complement: PALB2 is on the minus strand). VCF-style: chr16-23635525-C-A. GRCh37 (hg19) VCF-style: chr16-23646846-C-A.
Other names: short protein forms E341*.
Identifiers: ClinVar variation 1423799 (VCV001423799.9), dbSNP rs2142428256, ClinGen allele CA395134370.

ClinVar aggregate classification (germline): Pathogenic. Review status: criteria provided, multiple submitters, no conflicts (2 of 4 stars). 2 submissions from 2 submitters: Pathogenic (2). Last evaluated 2025-10-04.

Conditions:
Hereditary cancer-predisposing syndrome. Also called: Neoplastic Syndromes, Hereditary; Hereditary Cancer Syndrome; Hereditary neoplastic syndrome; Tumor predisposition. Identifiers: Orphanet 140162, MedGen C0027672, MeSH D009386, MONDO:0015356.
Familial cancer of breast. Also called: BREAST CANCER, FAMILIAL; Hereditary breast cancer; hereditary breast carcinoma. Identifiers: Orphanet 227535, MedGen C0346153, MONDO:0016419, OMIM 114480. Disease mechanism: loss of function.

Submissions (2):

Labcorp Genetics (formerly Invitae), Labcorp
Classification: Pathogenic for Familial cancer of breast. Last evaluated: 2025-10-04. Review status: criteria provided, single submitter. Criteria: Invitae Variant Classification Sherloc (09022015). Collection method: clinical testing. Allele origin: germline.
Comment: This sequence change creates a premature translational stop signal (p.Glu341*) in the PALB2 gene. It is expected to result in an absent or disrupted protein product. Loss-of-function variants in PALB2 are known to be pathogenic (PMID: 17200668, 17200671, 17200672, 24136930, 25099575). This variant is not present in population databases (gnomAD no frequency). This variant has not been reported in the literature in individuals affected with PALB2-related conditions. ClinVar contains an entry for this variant (Variation ID: 1423799). For these reasons, this variant has been classified as Pathogenic.

Ambry Genetics
Classification: Pathogenic for Hereditary cancer-predisposing syndrome. Last evaluated: 2022-07-07. Review status: criteria provided, single submitter. Criteria: Ambry Variant Classification Scheme 2023. Collection method: clinical testing. Allele origin: germline.
Comment: The p.E341* pathogenic mutation (also known as c.1021G>T), located in coding exon 4 of the PALB2 gene, results from a G to T substitution at nucleotide position 1021. This changes the amino acid from a glutamic acid to a stop codon within coding exon 4. This variant is considered to be rare based on population cohorts in the Genome Aggregation Database (gnomAD). This alteration is expected to result in loss of function by premature protein truncation or nonsense-mediated mRNA decay. As such, this alteration is interpreted as a disease-causing mutation.

Literature cited by the submitters: PubMed 17200668 (cited by Labcorp Genetics (formerly Invitae), Labcorp); PubMed 17200671 (cited by Labcorp Genetics (formerly Invitae), Labcorp); PubMed 17200672 (cited by Labcorp Genetics (formerly Invitae), Labcorp); PubMed 24136930 (cited by Labcorp Genetics (formerly Invitae), Labcorp); PubMed 25099575 (cited by Labcorp Genetics (formerly Invitae), Labcorp).